The following is an entry in ClinVar:

NM_006565.4(CTCF):c.351A>C (p.Gln117His)

Gene: CTCF (CCCTC-binding factor; plus strand). Cytogenetic location: 16q22.1.
Variant type: single nucleotide variant.
Coding change: c.351A>C on transcript NM_006565.4 (MANE Select); coding-DNA position 351, A replaced by C.
Protein change: p.Gln117His; replaces glutamine 117 with histidine.
Molecular consequence: missense variant. On other transcripts: intron variant (1).
Genome position (GRCh38, 1-based): chr16:67,611,183, A>C. VCF-style: chr16-67611183-A-C. GRCh37 (hg19) VCF-style: chr16-67645086-A-C.
Other names: c.351A>C, p.Gln117His (NM_001363916.2); c.-32-5562A>C (NM_001191022.2); short protein forms Q117H.
Identifiers: ClinVar variation 1810482 (VCV001810482.1), dbSNP rs2543447932, ClinGen allele CA396304695.
Genomic context (GRCh38, chr16:67,611,183, plus strand): 5'-TTTACAGGTTGTAAATATGGAGGAACAGCCCATAAACATAGGAGAACTTCAGCTTGTTCA[A>C]GTACCTGTTCCTGTGACTGTACCTGTTGCTACCACTTCAGTAGAAGAACTTCAGGGGGCT-3'
Protein context (NP_006556.1, residues 107-127): PINIGELQLV[Gln117His]VPVPVTVPVA

ClinVar aggregate classification (germline): Uncertain significance (1 of 4 stars; one submission).

Submission:

GeneDx
Classification: Uncertain significance. Last evaluated: 2022-07-08. Review status: criteria provided, single submitter. Criteria: GeneDx Variant Classification Process June 2021. Collection method: clinical testing. Allele origin: germline. Affected: yes.
Comment: Not observed at significant frequency in large population cohorts (gnomAD); In silico analysis supports that this missense variant does not alter protein structure/function; Has not been previously published as pathogenic or benign to our knowledge